The following is an entry in ClinVar:

ClinVar aggregate classification (germline): Conflicting classifications of pathogenicity. Review status: criteria provided, conflicting classifications (1 of 4 stars). 7 submissions from 7 submitters: Uncertain significance (4); Likely benign (3). Last evaluated 2025-04-09.

Conditions:
Cardiovascular phenotype. Identifiers: MedGen CN230736.
Arrhythmogenic right ventricular cardiomyopathy (ARVD). Also called: Arrhythmogenic cardiomyopathy; Cardiomyopathy, ARVC; Arrhythmogenic right ventricular dysplasia; Arrhythmogenic Right Ventricular Cardiomyopathy (ARVC). Identifiers: Orphanet 247, MedGen C0349788, MeSH D019571, MONDO:0016587. Disease mechanism: loss of function. Inheritance: Various modes of inheritance.
Cardiomyopathy (CMYO). Also called: Cardiomyopathies. Identifiers: Orphanet 167848, MedGen C0878544, MONDO:0004994, HP:0001638. Inheritance: Various modes of inheritance.
Arrhythmogenic right ventricular dysplasia 10. Also called: Arrhythmogenic Right Ventricular Dysplasia/Cardiomyopathy10; ARRHYTHMOGENIC RIGHT VENTRICULAR DYSPLASIA, FAMILIAL, 10; Arrhythmogenic right ventricular dysplasia/cardiomyopathy, type 10. Identifiers: MedGen C1857777, MONDO:0012434, OMIM 610193.

Allele frequency attached by ClinVar (database versions not stated): gnomAD exomes 0.00001.
gnomAD v4.1: 10 of 1,614,200 alleles (0.00062%); highest among the groups gnomAD compares: African/African-American, 0.0013%; no homozygotes.

Submissions (7):

Molecular Diagnostic Laboratory for Inherited Cardiovascular Disease, Montreal Heart Institute
Classification: Uncertain significance for Cardiovascular phenotype. Last evaluated: 2025-04-09. Review status: criteria provided, single submitter. Criteria: ACMG Guidelines, 2015. Collection method: clinical testing. Allele origin: germline. Affected: yes.
Comment: PM2;BP4

Color Diagnostics, LLC DBA Color Health
Classification: Likely benign for Cardiomyopathy. Last evaluated: 2024-08-29. Review status: criteria provided, single submitter. Criteria: ACMG Guidelines, 2015. Collection method: clinical testing. Allele origin: germline.

All of Us Research Program, National Institutes of Health
Classification: Likely benign for Arrhythmogenic right ventricular cardiomyopathy. Last evaluated: 2024-05-13. Review status: criteria provided, single submitter. Criteria: ACMG Guidelines, 2015. Collection method: clinical testing. Allele origin: germline. Inheritance: Autosomal dominant inheritance. Observed: 1 variant allele, 1 heterozygote.
Comment: This study involves interpretation of variants in research participants for the purpose of population health screening. Participant phenotype was not available at the time of variant classification. Additional details can be found in publication PMID: 35346344, PMCID: PMC8962531

Labcorp Genetics (formerly Invitae), Labcorp
Classification: Uncertain significance for Arrhythmogenic right ventricular dysplasia 10. Last evaluated: 2023-06-09. Review status: criteria provided, single submitter. Criteria: Invitae Variant Classification Sherloc (09022015). Collection method: clinical testing. Allele origin: germline.
Comment: This sequence change replaces threonine, which is neutral and polar, with methionine, which is neutral and non-polar, at codon 1075 of the DSG2 protein (p.Thr1075Met). In summary, the available evidence is currently insufficient to determine the role of this variant in disease. Therefore, it has been classified as a Variant of Uncertain Significance. Advanced modeling of protein sequence and biophysical properties (such as structural, functional, and spatial information, amino acid conservation, physicochemical variation, residue mobility, and thermodynamic stability) performed at Invitae indicates that this missense variant is not expected to disrupt DSG2 protein function. ClinVar contains an entry for this variant (Variation ID: 924280). This variant has not been reported in the literature in individuals affected with DSG2-related conditions. This variant is present in population databases (no rsID available, gnomAD 0.0009%).

GeneDx
Classification: Uncertain significance. Last evaluated: 2023-05-18. Review status: criteria provided, single submitter. Criteria: GeneDx Variant Classification Process June 2021. Collection method: clinical testing. Allele origin: germline. Affected: yes.
Comment: Not observed at significant frequency in large population cohorts (gnomAD); In silico analysis supports that this missense variant does not alter protein structure/function; Has not been previously published as pathogenic or benign to our knowledge

CHEO Genetics Diagnostic Laboratory, Children's Hospital of Eastern Ontario
Classification: Uncertain significance for Cardiomyopathy. Last evaluated: 2023-05-16. Review status: criteria provided, single submitter. Criteria: ACMG Guidelines, 2015. Collection method: clinical testing. Allele origin: germline.

Ambry Genetics
Classification: Likely benign for Cardiovascular phenotype. Last evaluated: 2023-01-13. Review status: criteria provided, single submitter. Criteria: Ambry Variant Classification Scheme 2023. Collection method: clinical testing. Allele origin: germline.

NM_001943.5(DSG2):c.3224C>T (p.Thr1075Met)

Genes: DSG2 (desmoglein 2; plus strand), DSG2-AS1 (DSG2 antisense RNA 1; minus strand). Cytogenetic location: 18q12.1.
Variant type: single nucleotide variant.
Coding change: c.3224C>T on transcript NM_001943.5 (MANE Select); coding-DNA position 3224, C replaced by T.
Protein change: p.Thr1075Met; replaces threonine 1075 with methionine.
Molecular consequence: missense variant.
Genome position (GRCh38, 1-based): chr18:31,546,610, C>T. VCF-style: chr18-31546610-C-T. GRCh37 (hg19) VCF-style: chr18-29126573-C-T.
Other names: short protein forms T1075M.
Identifiers: ClinVar variation 924280 (VCV000924280.14), dbSNP rs943749481, ClinGen allele CA297702632.